The following is an entry in ClinVar:

NM_018117.12(WDR11):c.3292-1G>C

Gene: WDR11 (WD repeat domain 11; plus strand). Cytogenetic location: 10q26.12.
Variant type: single nucleotide variant.
Coding change: c.3292-1G>C on transcript NM_018117.12 (MANE Select); the canonical splice acceptor site of the intron before coding-DNA position 3292, G replaced by C.
Molecular consequence: splice acceptor variant.
Genome position (GRCh38, 1-based): chr10:120,905,875, G>C. VCF-style: chr10-120905875-G-C. GRCh37 (hg19) VCF-style: chr10-122665387-G-C.
Identifiers: ClinVar variation 2005976 (VCV002005976.4), dbSNP rs2493391411, ClinGen allele CA378316157.

ClinVar aggregate classification (germline): Likely pathogenic (1 of 4 stars; one submission).

Submission:

Labcorp Genetics (formerly Invitae), Labcorp
Classification: Likely pathogenic. Last evaluated: 2022-09-19. Review status: criteria provided, single submitter. Criteria: Invitae Variant Classification Sherloc (09022015). Collection method: clinical testing. Allele origin: germline.
Comment: This variant is not present in population databases (gnomAD no frequency). This variant has not been reported in the literature in individuals affected with WDR11-related conditions. Algorithms developed to predict the effect of sequence changes on RNA splicing suggest that this variant may disrupt the consensus splice site. In summary, the currently available evidence indicates that the variant is pathogenic, but additional data are needed to prove that conclusively. Therefore, this variant has been classified as Likely Pathogenic. This sequence change affects an acceptor splice site in intron 26 of the WDR11 gene. It is expected to disrupt RNA splicing. Variants that disrupt the donor or acceptor splice site typically lead to a loss of protein function (PMID: 16199547), and loss-of-function variants in WDR11 are known to be pathogenic (PMID: 34413497).

Literature cited by the submitters: PubMed 16199547; PubMed 34413497.